The following is an entry in ClinVar:

ClinVar aggregate classification (germline): Likely benign. Review status: criteria provided, multiple submitters, no conflicts (2 of 4 stars). 2 submissions from 2 submitters: Likely benign (2). Last evaluated 2025-09-24.

Conditions:
Neurofibromatosis, type 1 (NF1). Also called: VON RECKLINGHAUSEN DISEASE; Peripheral type neurofibromatosis; NEUROFIBROMATOSIS, TYPE I, SOMATIC; Neurofibromatosis, type I. Identifiers: Orphanet 636, MedGen C0027831, MONDO:0018975, OMIM 162200. Disease mechanism: loss of function.

Submissions (2):

Labcorp Genetics (formerly Invitae), Labcorp
Classification: Likely benign for Neurofibromatosis, type 1. Last evaluated: 2025-09-24. Review status: criteria provided, single submitter. Criteria: Invitae Variant Classification Sherloc (09022015). Collection method: clinical testing. Allele origin: germline.

CeGaT Center for Human Genetics Tuebingen
Classification: Likely benign. Last evaluated: 2025-08-01. Review status: criteria provided, single submitter. Criteria: CeGaT Center For Human Genetics Tuebingen Variant Classification Criteria Version 2. Collection method: clinical testing. Allele origin: germline. Affected: yes. Observed: 1 variant allele.
Comment: NF1: PM2:Supporting, BP4, BP7

NM_001042492.3(NF1):c.3888T>C (p.Tyr1296=)

Gene: NF1 (neurofibromin 1; plus strand). Cytogenetic location: 17q11.2.
Variant type: single nucleotide variant.
Coding change: c.3888T>C on transcript NM_001042492.3 (MANE Select); coding-DNA position 3888, T replaced by C.
Protein change: p.Tyr1296=; no amino-acid change (tyrosine 1296 retained).
Molecular consequence: synonymous variant.
Genome position (GRCh38, 1-based): chr17:31,235,935, T>C. VCF-style: chr17-31235935-T-C. GRCh37 (hg19) VCF-style: chr17-29562953-T-C.
Other names: c.3888T>C, p.Tyr1296= (NM_000267.4).
Identifiers: ClinVar variation 1998874 (VCV001998874.12), dbSNP rs2151438526, ClinGen allele CA499232755.